The following is an entry in ClinVar:

ClinVar aggregate classification (germline): Uncertain significance. Review status: criteria provided, multiple submitters, no conflicts (2 of 4 stars). 5 submissions from 5 submitters: Uncertain significance (5). Last evaluated 2026-03-26.

Conditions:
Stiff skin syndrome (SSKS). Identifiers: Orphanet 2833, MedGen C1861456, MONDO:0008492, OMIM 184900.
Geleophysic dysplasia 2 (GPHYSD2). Identifiers: Orphanet 2623, MedGen C3280054, MONDO:0013612, OMIM 614185.
Marfan syndrome (MFS). Also called: MARFAN SYNDROME, TYPE I; Marfan syndrome, classic; FBN1-Related Marfan Syndrome; Marfan syndrome type 1; Marfan's syndrome. Identifiers: Orphanet 284963, Orphanet 558, MedGen C0024796, MONDO:0007947, OMIM 154700.
MASS syndrome (OCTD). Also called: MASS PHENOTYPE; OVERLAP CONNECTIVE TISSUE DISEASE. Identifiers: MedGen C1858556, MONDO:0011431, OMIM 604308.
Weill-Marchesani syndrome 2, dominant. Also called: FBN1-Related Weill-Marchesani Syndrome; Weill-Marchesani Syndrome, Autosomal Dominant. Identifiers: Orphanet 2084, MedGen C1869115, MONDO:0012013, OMIM 608328.
Acromicric dysplasia (ACMICD). Also called: Acromicric skeletal dysplasia. Identifiers: Orphanet 969, MedGen C0265287, MONDO:0007055, OMIM 102370.
Ectopia lentis 1, isolated, autosomal dominant (ECTOL1). Identifiers: Orphanet 1885, MedGen C3541518, MONDO:0007514, OMIM 129600.
Progeroid and marfanoid aspect-lipodystrophy syndrome. Also called: MARFANOID-PROGEROID-LIPODYSTROPHY SYNDROME; MARFANOID-PROGEROID SYNDROME; MARFAN-PROGEROID-LIPODYSTROPHY SYNDROME; Marfan lipodystrophy syndrome. Identifiers: Orphanet 300382, MedGen C4310796, MONDO:0014831, OMIM 616914.
Familial thoracic aortic aneurysm and aortic dissection (TAAD). Also called: Thoracic aortic aneurysms and dissections. Identifiers: Orphanet 91387, MedGen C4707243, MONDO:0019625.

Allele frequency attached by ClinVar (database versions not stated): gnomAD exomes below 0.00001 and 0.00002; ExAC 0.00001.
gnomAD v4.1: 7 of 1,613,832 alleles (0.00043%); highest among the groups gnomAD compares: Admixed American, 0.0067%; no homozygotes.

Submissions (5):

GeneDx
Classification: Uncertain significance. Last evaluated: 2026-03-26. Review status: criteria provided, single submitter. Criteria: GeneDx Variant Classification Process June 2021. Collection method: clinical testing. Allele origin: germline.
Comment: Not observed at significant frequency in large population cohorts (gnomAD); In silico analysis supports that this missense variant has a deleterious effect on protein structure/function; Has not been previously published as pathogenic or benign to our knowledge; Does not affect a cysteine or calcium-binding residue within an EGF-like domain or a TGF-binding protein domain of the FBN1 gene; cysteine substitutions in the EGF-like domains represent the majority of pathogenic missense changes associated with FBN1-related disorders (PMID: 12938084); This variant is associated with the following publications: (PMID: 12938084)

Labcorp Genetics (formerly Invitae), Labcorp
Classification: Uncertain significance for Marfan syndrome; Familial thoracic aortic aneurysm and aortic dissection. Last evaluated: 2025-11-12. Review status: criteria provided, single submitter. Criteria: Invitae Variant Classification Sherloc (09022015). Collection method: clinical testing. Allele origin: germline.
Comment: This sequence change replaces arginine, which is basic and polar, with glycine, which is neutral and non-polar, at codon 782 of the FBN1 protein (p.Arg782Gly). This variant is present in population databases (rs752891726, gnomAD 0.01%). This variant has not been reported in the literature in individuals affected with FBN1-related conditions. ClinVar contains an entry for this variant (Variation ID: 924771). Invitae Evidence Modeling of protein sequence and biophysical properties (such as structural, functional, and spatial information, amino acid conservation, physicochemical variation, residue mobility, and thermodynamic stability) indicates that this missense variant is expected to disrupt FBN1 protein function with a positive predictive value of 95%. In summary, the available evidence is currently insufficient to determine the role of this variant in disease. Therefore, it has been classified as a Variant of Uncertain Significance.

All of Us Research Program, National Institutes of Health
Classification: Uncertain significance for Marfan syndrome. Last evaluated: 2023-10-06. Review status: criteria provided, single submitter. Criteria: ACMG Guidelines, 2015. Collection method: clinical testing. Allele origin: germline. Inheritance: Autosomal dominant inheritance. Observed: 1 variant allele, 1 heterozygote.
Comment: This missense variant replaces arginine with glycine at codon 782 of the FBN1 protein. Computational prediction suggests that this variant may have deleterious impact on protein structure and function (internally defined REVEL score threshold >= 0.7, PMID: 27666373). To our knowledge, functional studies have not been reported for this variant. This variant has not been reported in individuals affected with cardiovascular disorders in the literature. This variant has been identified in 4/251350 chromosomes in the general population by the Genome Aggregation Database (gnomAD). The available evidence is insufficient to determine the role of this variant in disease conclusively. Therefore, this variant is classified as a Variant of Uncertain Significance.

This study involves interpretation of variants in research participants for the purpose of population health screening. Participant phenotype was not available at the time of variant classification. Additional details can be found in publication PMID: 35346344, PMCID: PMC8962531

Color Diagnostics, LLC DBA Color Health
Classification: Uncertain significance for Familial thoracic aortic aneurysm and aortic dissection. Last evaluated: 2023-09-21. Review status: criteria provided, single submitter. Criteria: ACMG Guidelines, 2015. Collection method: clinical testing. Allele origin: germline.
Comment: This missense variant replaces arginine with glycine at codon 782 of the FBN1 protein. Computational prediction suggests that this variant may have deleterious impact on protein structure and function (internally defined REVEL score threshold >= 0.7, PMID: 27666373). To our knowledge, functional studies have not been reported for this variant. This variant has not been reported in individuals affected with FBN1-related disorders in the literature. This variant has been identified in 4/251350 chromosomes in the general population by the Genome Aggregation Database (gnomAD). The available evidence is insufficient to determine the role of this variant in disease conclusively. Therefore, this variant is classified as a Variant of Uncertain Significance.

Fulgent Genetics
Classification: Uncertain significance for Acromicric dysplasia; Ectopia lentis 1, isolated, autosomal dominant; Marfan syndrome; Stiff skin syndrome; MASS syndrome; Weill-Marchesani syndrome 2, dominant; Geleophysic dysplasia 2; Progeroid and marfanoid aspect-lipodystrophy syndrome. Last evaluated: 2021-10-29. Review status: criteria provided, single submitter. Criteria: ACMG Guidelines, 2015. Collection method: clinical testing. Allele origin: unknown.

NM_000138.5(FBN1):c.2344A>G (p.Arg782Gly)

Gene: FBN1 (fibrillin 1; minus strand). Cytogenetic location: 15q21.1.
Variant type: single nucleotide variant.
Coding change: c.2344A>G on transcript NM_000138.5 (MANE Select); coding-DNA position 2344, A replaced by G.
Protein change: p.Arg782Gly; replaces arginine 782 with glycine.
Molecular consequence: missense variant.
Genome position (GRCh38, 1-based): chr15:48,496,175, T>C on the plus strand (A>G on the coding strand, the complement: FBN1 is on the minus strand). VCF-style: chr15-48496175-T-C. GRCh37 (hg19) VCF-style: chr15-48788372-T-C.
Other names: short protein forms R782G.
Identifiers: ClinVar variation 924771 (VCV000924771.13), dbSNP rs752891726, ClinGen allele CA047509.